The following is an entry in ClinVar:

NM_000158.4(GBE1):c.1169del (p.Ala389_Leu390insTer)

Gene: GBE1 (1,4-alpha-glucan branching enzyme 1; minus strand). Cytogenetic location: 3p12.2.
Variant type: Deletion.
Coding change: c.1169del on transcript NM_000158.4 (MANE Select); coding-DNA position 1169, one base deleted (T; older notation c.1169delT).
Protein change: p.Ala389_Leu390insTer.
Molecular consequence: nonsense.
Genome position (GRCh38, 1-based): chr3:81,591,104, A deleted on the plus strand (T on the coding strand, the reverse complement: GBE1 is on the minus strand); the first of 2 consecutive A bases (chr3:81,591,104-81,591,105); deleting either gives the same sequence. VCF-style (leftmost placement, unchanged base first): chr3-81591103-CA-C. GRCh37 (hg19) VCF-style: chr3-81640254-CA-C.
Identifiers: ClinVar variation 2112781 (VCV002112781.4), dbSNP rs2471740178, ClinGen allele CA2580070453.

ClinVar aggregate classification (germline): Pathogenic (1 of 4 stars; one submission).

Conditions:
Glycogen storage disease, type IV (GSD4). Also called: AMYLOPECTINOSIS; ANDERSEN DISEASE; BRANCHER DEFICIENCY; CIRRHOSIS, FAMILIAL, WITH DEPOSITION OF ABNORMAL GLYCOGEN; Glycogen storage disease due to glycogen branching enzyme deficiency; GBE1 DEFICIENCY. Identifiers: Orphanet 367, MedGen C0017923, MONDO:0009292, OMIM 232500.
Glycogen storage disease IV, classic hepatic. Also called: GSD IV, CLASSIC HEPATIC. Identifiers: MedGen C1856301.

Submission:

Labcorp Genetics (formerly Invitae), Labcorp
Classification: Pathogenic for Glycogen storage disease, type IV; Glycogen storage disease IV, classic hepatic. Last evaluated: 2022-03-15. Review status: criteria provided, single submitter. Criteria: Invitae Variant Classification Sherloc (09022015). Collection method: clinical testing. Allele origin: germline.
Comment: This variant has not been reported in the literature in individuals affected with GBE1-related conditions. For these reasons, this variant has been classified as Pathogenic. This variant is not present in population databases (gnomAD no frequency). This sequence change creates a premature translational stop signal (p.Leu390*) in the GBE1 gene. It is expected to result in an absent or disrupted protein product. Loss-of-function variants in GBE1 are known to be pathogenic (PMID: 15452297, 20058079).

Literature cited by the submitters: PubMed 15452297; PubMed 20058079.